The following is an entry in ClinVar:

ClinVar aggregate classification (germline): Likely pathogenic. Review status: criteria provided, multiple submitters, no conflicts (2 of 4 stars). 2 submissions from 2 submitters: Likely pathogenic (2). Last evaluated 2024-06-05.

Conditions:
Autosomal dominant Alport syndrome (ATS3A). Also called: Alport syndrome dominant type; Renal failure and sensorineural hearing loss; ALPORT SYNDROME 3A, AUTOSOMAL DOMINANT. Identifiers: Orphanet 63, Orphanet 88918, MedGen C5882663, MONDO:0007086, OMIM 104200.
Hematuria, benign familial, 2 (BFH2). Identifiers: MedGen C5830421, MONDO:0958186, OMIM 620320.
Alport syndrome 3b, autosomal recessive. Identifiers: MedGen C5882699, MONDO:0957811, OMIM 620536.
Alport syndrome. Also called: Hemorrhagic familial nephritis; Hemorrhagic hereditary nephritis; Congenital hereditary hematuria. Identifiers: Orphanet 63, MedGen C1567741, MONDO:0018965.

Submissions (2):

Fulgent Genetics
Classification: Likely pathogenic for Autosomal dominant Alport syndrome; Hematuria, benign familial, 2; Alport syndrome 3b, autosomal recessive. Last evaluated: 2024-06-05. Review status: criteria provided, single submitter. Criteria: ACMG Guidelines, 2015. Collection method: clinical testing. Allele origin: germline.

Natera, Inc.
Classification: Likely pathogenic for Alport syndrome. Last evaluated: 2024-05-14. Review status: criteria provided, single submitter. Criteria: Natera Variant Classification Schema (03/2026). Collection method: clinical testing. Allele origin: germline.
Comment: The c.2003_2004delGCinsA variant in COL4A3 is a frameshift variant predicted to shift the reading frame beginning at codon 668 and leads to a stop codon 79 codons downstream. This variant is expected to result in nonsense mediated decay, truncation, or a dysfunctional protein product. This variant is rare in the general population with a frequency below the threshold expected for the associated phenotype(s). Given the available evidence, this variant is classified as Likely Pathogenic.

NM_000091.5(COL4A3):c.2003_2004delinsA (p.Gly668fs)

Genes: MFF-DT (MFF divergent transcript; minus strand), COL4A3 (collagen type IV alpha 3 chain; plus strand). Cytogenetic location: 2q36.3.
Variant type: Indel.
Coding change: c.2003_2004delinsA on transcript NM_000091.5 (MANE Select); coding-DNA positions 2003 to 2004, GC replaced by A.
Protein change: p.Gly668fs; shifts the reading frame from glycine 668.
Molecular consequence: frameshift variant.
Genome position (GRCh38, 1-based): chr2:227,276,460-227,276,461, GC replaced by A. VCF-style: chr2-227276460-GC-A. GRCh37 (hg19) VCF-style: chr2-228141176-GC-A.
Other names: short protein forms G668fs.
Identifiers: ClinVar variation 3586037 (VCV003586037.2).